The following is an entry in ClinVar:

ClinVar aggregate classification (germline): Conflicting classifications of pathogenicity. Review status: criteria provided, conflicting classifications (1 of 4 stars). 7 submissions from 7 submitters: Uncertain significance (1); Likely benign (3). 3 of the submissions do not count toward it. Last evaluated 2025-12-09.

Conditions:
Hereditary cancer-predisposing syndrome. Also called: Neoplastic Syndromes, Hereditary; Tumor predisposition; Hereditary Cancer Syndrome; Hereditary neoplastic syndrome. Identifiers: Orphanet 140162, MedGen C0027672, MeSH D009386, MONDO:0015356.
Hereditary breast ovarian cancer syndrome. Also called: Hereditary breast and ovarian cancer syndrome; Hereditary breast and ovarian cancer; Hereditary breast and ovarian cancer syndrome (HBOC); Breast and ovarian cancer; Hereditary breast and/or ovarian cancer syndrome; BRCA1- and BRCA2-Associated Hereditary Breast and Ovarian Cancer. Identifiers: Orphanet 145, MedGen C0677776, MeSH D061325, MONDO:0003582. Disease mechanism: loss of function.
Breast-ovarian cancer, familial, susceptibility to, 2 (BROVCA2). Also called: BRCA2 Hereditary Breast and Ovarian Cancer. Identifiers: Orphanet 145, MedGen C2675520, MONDO:0012933, OMIM 612555. Disease mechanism: loss of function.
Malignant tumor of breast. Also called: Malignant breast neoplasm; Cancer breast. Identifiers: MedGen C0006142, MONDO:0007254. Disease mechanism: loss of function.

gnomAD v4.1: 4 of 1,608,400 alleles (0.00025%); highest among the groups gnomAD compares: Non-Finnish European, 0.00034%; no homozygotes.

Submissions (7):

Labcorp Genetics (formerly Invitae), Labcorp
Classification: Uncertain significance for Hereditary breast ovarian cancer syndrome. Last evaluated: 2025-12-09. Review status: criteria provided, single submitter. Criteria: Invitae Variant Classification Sherloc (09022015). Collection method: clinical testing. Allele origin: germline.
Comment: This sequence change replaces phenylalanine, which is neutral and non-polar, with leucine, which is neutral and non-polar, at codon 625 of the BRCA2 protein (p.Phe625Leu). This variant is not present in population databases (gnomAD no frequency). This variant has not been reported in the literature in individuals affected with BRCA2-related conditions. ClinVar contains an entry for this variant (Variation ID: 51218). Invitae Evidence Modeling of protein sequence and biophysical properties (such as structural, functional, and spatial information, amino acid conservation, physicochemical variation, residue mobility, and thermodynamic stability) indicates that this missense variant is not expected to disrupt BRCA2 protein function with a negative predictive value of 95%. In summary, the available evidence is currently insufficient to determine the role of this variant in disease. Therefore, it has been classified as a Variant of Uncertain Significance.

University of Washington Department of Laboratory Medicine, University of Washington
Classification: Likely benign for Hereditary cancer-predisposing syndrome. Last evaluated: 2023-03-23. Review status: criteria provided, single submitter. Criteria: Dines et al. (Genet Med. 2020). Collection method: curation. Allele origin: germline.
Comment: Missense variant in a coldspot region where missense variants are very unlikely to be pathogenic (PMID:31911673).

BRCA2 exon 10 coldspot. Reclassification based on statistical prior probability.

Ambry Genetics
Classification: Likely benign for Hereditary cancer-predisposing syndrome. Last evaluated: 2018-05-21. Review status: criteria provided, single submitter. Criteria: Ambry Variant Classification Scheme 2023. Collection method: clinical testing. Allele origin: germline.

Color Diagnostics, LLC DBA Color Health
Classification: Likely benign for Hereditary cancer-predisposing syndrome. Last evaluated: 2016-07-11. Review status: criteria provided, single submitter. Criteria: ACMG Guidelines, 2015. Collection method: clinical testing. Allele origin: germline.

True Health Diagnostics
Classification: Likely benign for Hereditary cancer-predisposing syndrome. Last evaluated: 2018-06-18. Review status: no assertion criteria provided. Collection method: clinical testing. Allele origin: germline. Not counted in ClinVar's aggregate classification.

Breast Cancer Information Core (BIC) (BRCA2)
Classification: Uncertain significance for Breast-ovarian cancer, familial 2. Review status: no assertion criteria provided. Collection method: clinical testing. Allele origin: germline. Affected: yes. Observed: 1 variant allele. Not counted in ClinVar's aggregate classification.

Department of Pathology and Laboratory Medicine, Sinai Health System
Classification: Uncertain significance for Malignant tumor of breast. Review status: no assertion criteria provided. Collection method: clinical testing. Allele origin: unknown. Affected: yes. Study: The Canadian Open Genetics Repository (COGR). Not counted in ClinVar's aggregate classification.
Comment: The BRCA2 p.Phe625Leu variant was not identified in the literature but was identified in dbSNP (ID: rs80358478) â€šÃ„ÃºWith uncertain significance alleleâ€šÃ„Ã¹, ClinVar database (1x by Inivate with no significance provided), and the BIC database (1X with uncertain clinical importance).The p.Phe625 residue is not conserved in mammals and the variant amino acid Leucine (LEU) is present in cat and zebra fish, increasing the likelihood that this variant does not have clinical significance. Computational analyses (PolyPhen-2, SIFT, AlignGVGD, BLOSUM, MutationTaster) do not suggest a high likelihood of impact to the protein. In summary, based on the above information, the clinical significance of this variant cannot be determined with certainty at this time. This variant is classified as a variant of unknown significance.

NM_000059.4(BRCA2):c.1875T>A (p.Phe625Leu)

Gene: BRCA2 (BRCA2 DNA repair associated; plus strand). Cytogenetic location: 13q13.1.
Variant type: single nucleotide variant.
Coding change: c.1875T>A on transcript NM_000059.4 (MANE Select); coding-DNA position 1875, T replaced by A.
Protein change: p.Phe625Leu; replaces phenylalanine 625 with leucine.
Molecular consequence: missense variant.
Genome position (GRCh38, 1-based): chr13:32,333,353, T>A. VCF-style: chr13-32333353-T-A. GRCh37 (hg19) VCF-style: chr13-32907490-T-A.
Other names: short protein forms F625L.
Identifiers: ClinVar variation 51218 (VCV000051218.21), dbSNP rs80358478, ClinGen allele CA013680.